The following is an entry in ClinVar:

NM_001082971.2(DDC):c.265del (p.Met89fs)

Genes: DDC (dopa decarboxylase; minus strand), DDC-AS1 (DDC antisense RNA 1; plus strand). Cytogenetic location: 7p12.1.
Variant type: Deletion.
Coding change: c.265del on transcript NM_001082971.2 (MANE Select); coding-DNA position 265, one base deleted (A; older notation c.265delA).
Protein change: p.Met89fs; shifts the reading frame from methionine 89.
Molecular consequence: frameshift variant. On other transcripts: non-coding transcript variant (1), intron variant (2).
Genome position (GRCh38, 1-based): chr7:50,539,965, T deleted on the plus strand (A on the coding strand, the reverse complement: DDC is on the minus strand). VCF-style (leftmost placement, unchanged base first): chr7-50539964-AT-A. GRCh37 (hg19) VCF-style: chr7-50607662-AT-A.
Other names: c.265del, p.Met89fs (NM_001242890.2, NM_000790.4, NM_001242887.2 and 1 more transcripts); c.201+3920del (NM_001242888.2); c.202-1986del (NM_001242886.2); short protein forms M89fs.
Identifiers: ClinVar variation 3719536 (VCV003719536.2).

ClinVar aggregate classification (germline): Pathogenic (1 of 4 stars; one submission).

Conditions:
Deficiency of aromatic-L-amino-acid decarboxylase. Also called: AADC DEFICIENCY; DDC DEFICIENCY; DOPA DECARBOXYLASE DEFICIENCY; Aromatic L-Amino Acid Decarboxylase Deficiency; Aromatic amino acid decarboxylase deficiency. Identifiers: Orphanet 35708, MedGen C1291564, MONDO:0012084, OMIM 608643.

Submission:

Labcorp Genetics (formerly Invitae), Labcorp
Classification: Pathogenic for Deficiency of aromatic-L-amino-acid decarboxylase. Last evaluated: 2024-02-07. Review status: criteria provided, single submitter. Criteria: Invitae Variant Classification Sherloc (09022015). Collection method: clinical testing. Allele origin: germline.
Comment: This sequence change creates a premature translational stop signal (p.Met89Cysfs*29) in the DDC gene. It is expected to result in an absent or disrupted protein product. Loss-of-function variants in DDC are known to be pathogenic (PMID: 15079002, 24788355). This variant is not present in population databases (gnomAD no frequency). This variant has not been reported in the literature in individuals affected with DDC-related conditions. For these reasons, this variant has been classified as Pathogenic.

Literature cited by the submitters: PubMed 15079002; PubMed 24788355.